The following is an entry in ClinVar:

ClinVar aggregate classification (germline): Uncertain significance. Review status: criteria provided, multiple submitters, no conflicts (2 of 4 stars). 2 submissions from 2 submitters: Uncertain significance (2). Last evaluated 2025-01-15.

Conditions:
Inborn genetic diseases. Identifiers: MedGen C0950123, MeSH D030342.
Congenital myasthenic syndrome 4A. Also called: Myasthenic syndrome, congenital, 4a, slow-channel; CONGENITAL MYASTHENIC SYNDROME TYPE Ia1; MYASTHENIC SYNDROME, CONGENITAL, 4A, SLOW-CHANNEL, AUTOSOMAL RECESSIVE. Identifiers: Orphanet 590, MedGen C4225413, MONDO:0011600, OMIM 605809.

Allele frequency attached by ClinVar (database versions not stated): gnomAD 0.00001; gnomAD exomes 0.00002 and 0.00006; TOPMed 0.00003; ExAC 0.00006.

Submissions (2):

Labcorp Genetics (formerly Invitae), Labcorp
Classification: Uncertain significance for Congenital myasthenic syndrome 4A. Last evaluated: 2025-01-15. Review status: criteria provided, single submitter. Criteria: Invitae Variant Classification Sherloc (09022015). Collection method: clinical testing. Allele origin: germline.
Comment: This sequence change replaces valine, which is neutral and non-polar, with methionine, which is neutral and non-polar, at codon 427 of the CHRNE protein (p.Val427Met). The frequency data for this variant in the population databases is considered unreliable, as metrics indicate poor data quality at this position in the gnomAD database. This variant has not been reported in the literature in individuals affected with CHRNE-related conditions. ClinVar contains an entry for this variant (Variation ID: 1500480). Invitae Evidence Modeling of protein sequence and biophysical properties (such as structural, functional, and spatial information, amino acid conservation, physicochemical variation, residue mobility, and thermodynamic stability) indicates that this missense variant is not expected to disrupt CHRNE protein function with a negative predictive value of 95%. In summary, the available evidence is currently insufficient to determine the role of this variant in disease. Therefore, it has been classified as a Variant of Uncertain Significance.

Ambry Genetics
Classification: Uncertain significance for Inborn genetic diseases. Last evaluated: 2024-08-05. Review status: criteria provided, single submitter. Criteria: Ambry Variant Classification Scheme 2023. Collection method: clinical testing. Allele origin: germline.

NM_000080.4(CHRNE):c.1279G>A (p.Val427Met)

Gene: CHRNE (cholinergic receptor nicotinic epsilon subunit; minus strand). Cytogenetic location: 17p13.2.
Variant type: single nucleotide variant.
Coding change: c.1279G>A on transcript NM_000080.4 (MANE Select); coding-DNA position 1279, G replaced by A.
Protein change: p.Val427Met; replaces valine 427 with methionine.
Molecular consequence: missense variant.
Genome position (GRCh38, 1-based): chr17:4,899,048, C>T on the plus strand (G>A on the coding strand, the complement: CHRNE is on the minus strand). VCF-style: chr17-4899048-C-T. GRCh37 (hg19) VCF-style: chr17-4802343-C-T.
Other names: c.1279G>A (NM_000080.3); short protein forms V427M.
Identifiers: ClinVar variation 1500480 (VCV001500480.5), dbSNP rs780122731, ClinGen allele CA8313906.